The following is an entry in ClinVar:

NM_000199.5(SGSH):c.1060G>C (p.Ala354Pro)

Gene: SGSH (N-sulfoglucosamine sulfohydrolase; minus strand). Cytogenetic location: 17q25.3.
Variant type: single nucleotide variant.
Coding change: c.1060G>C on transcript NM_000199.5 (MANE Select); coding-DNA position 1060, G replaced by C.
Protein change: p.Ala354Pro; replaces alanine 354 with proline.
Molecular consequence: missense variant. On other transcripts: 3 prime UTR variant (2), non-coding transcript variant (1).
Genome position (GRCh38, 1-based): chr17:80,210,901, C>G on the plus strand (G>C on the coding strand, the complement: SGSH is on the minus strand). VCF-style: chr17-80210901-C-G. GRCh37 (hg19) VCF-style: chr17-78184700-C-G.
Other names: c.*147G>C (NM_001352921.3); c.*110G>C (NM_001352922.2); short protein forms A354P.
Identifiers: ClinVar variation 2581650 (VCV002581650.1), dbSNP rs2510860868, ClinGen allele CA401359231.

ClinVar aggregate classification (germline): Uncertain significance (1 of 4 stars; one submission).

Submission:

Women's Health and Genetics/Laboratory Corporation of America, LabCorp
Classification: Uncertain significance. Last evaluated: 2023-08-11. Review status: criteria provided, single submitter. Criteria: LabCorp Variant Classification Summary - May 2015. Collection method: clinical testing. Allele origin: germline.
Comment: Variant summary: SGSH c.1060G>C (p.Ala354Pro) results in a non-conservative amino acid change in the encoded protein sequence. Three of five in-silico tools predict a benign effect of the variant on protein function. The variant was absent in 248376 control chromosomes. c.1060G>C has been reported in the literature in individuals affected with Mucopolysaccharidosis Type IIIA (Sanfilippo Syndrome A) (Montfort_1998, Chabas_2001). These data indicate that the variant may be associated with disease. To our knowledge, no experimental evidence demonstrating an impact on protein function has been reported. The following publications have been ascertained in the context of this evaluation (PMID: 11343308, 9744479). No submitters have cited clinical-significance assessments for this variant to ClinVar after 2014. Based on the evidence outlined above, the variant was classified as VUS-possibly pathogenic.

Literature cited by the submitters: PubMed 11343308; PubMed 9744479.